The following is an entry in ClinVar:

ClinVar aggregate classification (germline): Uncertain significance. Review status: criteria provided, multiple submitters, no conflicts (2 of 4 stars). 2 submissions from 2 submitters: Uncertain significance (2). Last evaluated 2025-08-29.

Conditions:
Inborn genetic diseases. Identifiers: MedGen C0950123, MeSH D030342.
Muscle AMP deaminase deficiency (MMDD). Also called: Myoadenylate deaminase deficiency, myopathy due to; Adenosine monophosphate deaminase 1 deficiency; AMP deaminase 1 deficiency; Adenosine Monophosphate Deaminase 1; AMPD1 DEFICIENCY; ADENOSINE MONOPHOSPHATE DEAMINASE-1 DEFICIENCY, MYOPATHY DUE TO. Identifiers: Orphanet 45, MedGen C3714933, MONDO:0014220, OMIM 615511.

Allele frequency attached by ClinVar (database versions not stated): TOPMed 0.00001; gnomAD exomes 0.00003; ExAC 0.00007.
gnomAD v4.1: 40 of 1,614,114 alleles (0.0025%); highest among the groups gnomAD compares: Non-Finnish European, 0.003%; no homozygotes.

Submissions (2):

Ambry Genetics
Classification: Uncertain significance for Inborn genetic diseases. Last evaluated: 2025-08-29. Review status: criteria provided, single submitter. Criteria: Ambry Variant Classification Scheme 2023. Collection method: clinical testing. Allele origin: germline.

Labcorp Genetics (formerly Invitae), Labcorp
Classification: Uncertain significance for Muscle AMP deaminase deficiency. Last evaluated: 2022-09-30. Review status: criteria provided, single submitter. Criteria: Invitae Variant Classification Sherloc (09022015). Collection method: clinical testing. Allele origin: germline.
Comment: This sequence change replaces valine, which is neutral and non-polar, with isoleucine, which is neutral and non-polar, at codon 395 of the AMPD1 protein (p.Val395Ile). This variant is present in population databases (rs771867356, gnomAD 0.008%). This variant has not been reported in the literature in individuals affected with AMPD1-related conditions. Algorithms developed to predict the effect of missense changes on protein structure and function are either unavailable or do not agree on the potential impact of this missense change (SIFT: "Tolerated"; PolyPhen-2: "Probably Damaging"; Align-GVGD: "Class C0"). In summary, the available evidence is currently insufficient to determine the role of this variant in disease. Therefore, it has been classified as a Variant of Uncertain Significance.

NM_000036.3(AMPD1):c.1084G>A (p.Val362Ile)

Gene: AMPD1 (adenosine monophosphate deaminase 1; minus strand). Cytogenetic location: 1p13.2.
Variant type: single nucleotide variant.
Coding change: c.1084G>A on transcript NM_000036.3 (MANE Select); coding-DNA position 1084, G replaced by A.
Protein change: p.Val362Ile; replaces valine 362 with isoleucine.
Molecular consequence: missense variant.
Genome position (GRCh38, 1-based): chr1:114,678,341, C>T on the plus strand (G>A on the coding strand, the complement: AMPD1 is on the minus strand). VCF-style: chr1-114678341-C-T. GRCh37 (hg19) VCF-style: chr1-115220962-C-T.
Other names: c.1072G>A, p.Val358Ile (NM_001172626.2); c.1183G>A (NM_000036.2); short protein forms V358I, V362I.
Identifiers: ClinVar variation 2167148 (VCV002167148.2), dbSNP rs771867356, ClinGen allele CA1020231.